The following is an entry in ClinVar:

NM_015557.3(CHD5):c.5829C>G (p.Asn1943Lys)

Gene: CHD5 (chromodomain helicase DNA binding protein 5; minus strand). Cytogenetic location: 1p36.31.
Variant type: single nucleotide variant.
Coding change: c.5829C>G on transcript NM_015557.3 (MANE Select); coding-DNA position 5829, C replaced by G.
Protein change: p.Asn1943Lys; replaces asparagine 1943 with lysine.
Molecular consequence: missense variant.
Genome position (GRCh38, 1-based): chr1:6,106,423, G>C on the plus strand (C>G on the coding strand, the complement: CHD5 is on the minus strand). VCF-style: chr1-6106423-G-C. GRCh37 (hg19) VCF-style: chr1-6166483-G-C.
Other names: short protein forms N1943K.
Identifiers: ClinVar variation 3893555 (VCV003893555.1).

ClinVar aggregate classification (germline): Uncertain significance (1 of 4 stars; one submission).

Submission:

GeneDx
Classification: Uncertain significance. Last evaluated: 2024-10-28. Review status: criteria provided, single submitter. Criteria: GeneDx Variant Classification Process June 2021. Collection method: clinical testing. Allele origin: germline. Affected: yes.
Comment: Not observed at significant frequency in large population cohorts (gnomAD); In silico analysis indicates that this missense variant does not alter protein structure/function; Has not been previously published as pathogenic or benign to our knowledge